The following is an entry in ClinVar:

NM_015046.7(SETX):c.-124C>T

Genes: SETX (senataxin; minus strand), LOC126860783 (CDK7 strongly-dependent group 2 enhancer GRCh37_chr9:135229958-135231157; plus strand). Cytogenetic location: 9q34.13.
Variant type: single nucleotide variant.
Coding change: c.-124C>T on transcript NM_015046.7 (MANE Select); 124 bases upstream of the start codon, C replaced by T.
Molecular consequence: 5 prime UTR variant.
Genome position (GRCh38, 1-based): chr9:132,354,926, G>A on the plus strand (C>T on the coding strand, the complement: SETX is on the minus strand). VCF-style: chr9-132354926-G-A. GRCh37 (hg19) VCF-style: chr9-135230313-G-A.
Other names: c.-124C>T (NM_001351528.2).
Identifiers: ClinVar variation 912715 (VCV000912715.6), dbSNP rs114850064, ClinGen allele CA13077108.

ClinVar aggregate classification (germline): Benign/Likely benign. Review status: criteria provided, multiple submitters, no conflicts (2 of 4 stars). 5 submissions from 3 submitters: Benign (4); Likely benign (1). Last evaluated 2023-02-08.

Conditions:
Spinocerebellar ataxia, autosomal recessive, with axonal neuropathy 2 (SCAN2). Also called: ATAXIA-OCULOMOTOR APRAXIA 2; Ataxia-ocular apraxia-2; Ataxia with Oculomotor Apraxia; Ataxia with Oculomotor Apraxia Type 2. Identifiers: Orphanet 64753, MedGen C1853761, MONDO:0018996, OMIM 606002.
Amyotrophic lateral sclerosis type 4 (ALS4). Also called: AMYOTROPHIC LATERAL SCLEROSIS 4, JUVENILE; NEURONOPATHY, DISTAL HEREDITARY MOTOR, WITH PYRAMIDAL FEATURES. Identifiers: Orphanet 357043, MedGen C1865409, MONDO:0011223, OMIM 602433.

Allele frequency attached by ClinVar (database versions not stated): gnomAD exomes 0.00467; gnomAD 0.00894 and 0.00959; 1000 Genomes Project 30x 0.00984; TOPMed 0.00994; 1000 Genomes Project 0.00998.

Submissions (5):

Genome-Nilou Lab
Classification: Benign for Spinocerebellar ataxia, autosomal recessive, with axonal neuropathy 2. Last evaluated: 2023-02-08. Review status: criteria provided, single submitter. Criteria: ACMG Guidelines, 2015. Collection method: clinical testing. Allele origin: germline.

Genome-Nilou Lab
Classification: Benign for Amyotrophic lateral sclerosis type 4. Last evaluated: 2023-02-08. Review status: criteria provided, single submitter. Criteria: ACMG Guidelines, 2015. Collection method: clinical testing. Allele origin: germline.

GeneDx
Classification: Likely benign. Last evaluated: 2021-08-31. Review status: criteria provided, single submitter. Criteria: GeneDx Variant Classification Process June 2021. Collection method: clinical testing. Allele origin: germline. Affected: yes.

Illumina Laboratory Services, Illumina
Classification: Benign for Amyotrophic lateral sclerosis type 4. Last evaluated: 2018-01-13. Review status: criteria provided, single submitter. Criteria: ICSL Variant Classification Criteria 13 December 2019. Collection method: clinical testing. Allele origin: germline.
Comment: This variant was observed in the ICSL laboratory as part of a predisposition screen in an ostensibly healthy population. It had not been previously curated by ICSL or reported in the Human Gene Mutation Database (HGMD: prior to June 1st, 2018), and was therefore a candidate for classification through an automated scoring system. Utilizing variant allele frequency, disease prevalence and penetrance estimates, and inheritance mode, an automated score was calculated to assess if this variant is too frequent to cause the disease. Based on the score and internal cut-off values, a variant classified as benign is not then subjected to further curation. The score for this variant resulted in a classification of benign for this disease.

Illumina Laboratory Services, Illumina
Classification: Benign for Spinocerebellar ataxia, autosomal recessive, with axonal neuropathy 2. Last evaluated: 2018-01-13. Review status: criteria provided, single submitter. Criteria: ICSL Variant Classification Criteria 13 December 2019. Collection method: clinical testing. Allele origin: germline.
Comment: the same text as in the submission from Illumina Laboratory Services, Illumina above.